The following is an entry in ClinVar:

NC_000016.10:g.(?_89738591)_(89762032_?)del

Genes: FANCA (FA complementation group A; minus strand), ZNF276 (zinc finger protein 276; plus strand). Cytogenetic location: 16q24.3.
Variant type: Deletion.
Identifiers: ClinVar variation 830974 (VCV000830974.6).

ClinVar aggregate classification (germline): Pathogenic (1 of 4 stars; one submission).

Conditions:
Fanconi anemia (FA). Also called: Fanconi's anemia. Identifiers: Orphanet 84, MedGen C0015625, MeSH D005199, MONDO:0019391.

Submission:

Labcorp Genetics (formerly Invitae), Labcorp
Classification: Pathogenic for Fanconi anemia. Last evaluated: 2021-08-12. Review status: criteria provided, single submitter. Criteria: Invitae Variant Classification Sherloc (09022015). Collection method: clinical testing. Allele origin: germline.
Comment: This variant is a gross deletion of the genomic region encompassing exon(s) 29-43 of the FANCA gene, which includes the termination codon. This deletion extends beyond the assayed region for this gene and therefore may encompass additional genes. While this deletion is not anticipated to lead to nonsense mediated decay, it is expected to alter mRNA translation or result in a truncated protein product. This variant has not been reported in the literature in individuals affected with FANCA-related conditions. This variant disrupts a region of the FANCA protein in which other variant(s) (p.Asp1427Thrfs*6) have been determined to be pathogenic (PMID: 11091222, 29098742). This suggests that this is a clinically significant region of the protein, and that variants that disrupt it are likely to be disease-causing. For these reasons, this variant has been classified as Pathogenic.

Literature cited by the submitters: PubMed 11091222; PubMed 29098742.